The following is an entry in ClinVar:

NM_014000.3(VCL):c.770C>A (p.Ala257Asp)

Gene: VCL (vinculin; plus strand). Cytogenetic location: 10q22.2.
Variant type: single nucleotide variant.
Coding change: c.770C>A on transcript NM_014000.3 (MANE Select); coding-DNA position 770, C replaced by A.
Protein change: p.Ala257Asp; replaces alanine 257 with aspartic acid.
Molecular consequence: missense variant.
Genome position (GRCh38, 1-based): chr10:74,074,890, C>A. VCF-style: chr10-74074890-C-A. GRCh37 (hg19) VCF-style: chr10-75834648-C-A.
Other names: c.770C>A, p.Ala257Asp (NM_003373.4); short protein forms A257D.
Identifiers: ClinVar variation 5031689 (VCV005031689.1).

ClinVar aggregate classification (germline): Uncertain significance (1 of 4 stars; one submission).

Conditions:
Cardiovascular phenotype. Identifiers: MedGen CN230736.

Submission:

Ambry Genetics
Classification: Uncertain significance for Cardiovascular phenotype. Last evaluated: 2026-08-19. Review status: criteria provided, single submitter. Criteria: Ambry Variant Classification Scheme 2023. Collection method: clinical testing. Allele origin: germline.
Comment: The p.A257D variant (also known as c.770C>A), located in coding exon 6 of the VCL gene, results from a C to A substitution at nucleotide position 770. The alanine at codon 257 is replaced by aspartic acid, an amino acid with dissimilar properties. This amino acid position is conserved. In addition, the in silico prediction for this alteration is inconclusive. Based on the available evidence, the clinical significance of this variant remains unclear.